The following is an entry in ClinVar:

NM_002520.7(NPM1):c.58+10G>T

Gene: NPM1 (nucleophosmin 1; plus strand). Cytogenetic location: 5q35.1.
Variant type: single nucleotide variant.
Coding change: c.58+10G>T on transcript NM_002520.7 (MANE Select); 10 bases into the intron after coding-DNA position 58, G replaced by T.
Molecular consequence: intron variant.
Genome position (GRCh38, 1-based): chr5:171,388,016, G>T. VCF-style: chr5-171388016-G-T. GRCh37 (hg19) VCF-style: chr5-170815020-G-T.
Other names: c.58+10G>T (NM_001355006.2, NM_199185.4, NM_001355010.2 and 2 more transcripts); c.-55+10G>T (NM_001355007.2).
Identifiers: ClinVar variation 4987303 (VCV004987303.1).

ClinVar aggregate classification (germline): Likely benign (1 of 4 stars; one submission).

Conditions:
NPM1-related disorder. Also called: NPM1-related condition.

gnomAD v4.1: 1,119 of 1,610,684 alleles (0.069%); highest among the groups gnomAD compares: Non-Finnish European, 0.084%; 3 homozygotes.

Submission:

PreventionGenetics, part of Exact Sciences
Classification: Likely benign for NPM1-related condition. Last evaluated: 2025-11-10. Review status: criteria provided, single submitter. Criteria: ACMG Guidelines, 2015. Collection method: clinical testing. Allele origin: germline.
Comment: This variant is classified as likely benign based on ACMG/AMP sequence variant interpretation guidelines (Richards et al. 2015 PMID: 25741868, with internal and published modifications).